The following is an entry in ClinVar:

ClinVar aggregate classification (germline): Uncertain significance (1 of 4 stars; one submission).

gnomAD v4.1: 4 of 1,297,060 alleles (0.00031%); highest among the groups gnomAD compares: South Asian, 0.0069%; no homozygotes.

Submission:

Labcorp Genetics (formerly Invitae), Labcorp
Classification: Uncertain significance. Last evaluated: 2026-02-03. Review status: criteria provided, single submitter. Criteria: Invitae Variant Classification Sherloc (09022015). Collection method: clinical testing. Allele origin: germline.
Comment: This sequence change replaces proline, which is neutral and non-polar, with leucine, which is neutral and non-polar, at codon 104 of the IRF2BP2 protein (p.Pro104Leu). This variant is not present in population databases (gnomAD no frequency). This variant has not been reported in the literature in individuals affected with IRF2BP2-related conditions. An algorithm developed to predict the effect of missense changes on protein structure and function (PolyPhen-2) suggests that this variant is likely to be tolerated. In summary, the available evidence is currently insufficient to determine the role of this variant in disease. Therefore, it has been classified as a Variant of Uncertain Significance.

NM_182972.3(IRF2BP2):c.311C>T (p.Pro104Leu)

Genes: IRF2BP2 (interferon regulatory factor 2 binding protein 2; minus strand), LOC129932812 (ATAC-STARR-seq lymphoblastoid silent region 1977; plus strand). Cytogenetic location: 1q42.3.
Variant type: single nucleotide variant.
Coding change: c.311C>T on transcript NM_182972.3 (MANE Select); coding-DNA position 311, C replaced by T.
Protein change: p.Pro104Leu; replaces proline 104 with leucine.
Molecular consequence: missense variant.
Genome position (GRCh38, 1-based): chr1:234,609,184, G>A on the plus strand (C>T on the coding strand, the complement: IRF2BP2 is on the minus strand). VCF-style: chr1-234609184-G-A. GRCh37 (hg19) VCF-style: chr1-234744930-G-A.
Other names: c.311C>T, p.Pro104Leu (NM_001077397.1); short protein forms P104L.
Identifiers: ClinVar variation 4763094 (VCV004763094.1).